The following is an entry in ClinVar:

ClinVar aggregate classification (germline): Uncertain significance (0 of 4 stars; one submission).

Conditions:
ALDOB-related disorder. Also called: ALDOB-related condition.

Allele frequency attached by ClinVar (database versions not stated): gnomAD 0.00001; ExAC 0.00002; 1000 Genomes Project 30x 0.00031; 1000 Genomes Project 0.00040.
gnomAD v4.1: 2 of 1,604,490 alleles (0.00012%); highest among the groups gnomAD compares: South Asian, 0.0022%; no homozygotes.

Submission:

PreventionGenetics, part of Exact Sciences
Classification: Uncertain significance for ALDOB-related condition. Last evaluated: 2024-01-02. Review status: no assertion criteria provided. Collection method: clinical testing. Allele origin: germline.
Comment: The ALDOB c.112+5G>A variant is predicted to interfere with splicing. To our knowledge, this variant has not been reported in the literature. This variant is reported in 0.0065% of alleles in individuals of South Asian descent in gnomAD. At this time, the clinical significance of this variant is uncertain due to the absence of conclusive functional and genetic evidence.

NM_000035.4(ALDOB):c.112+5G>A

Gene: ALDOB (aldolase, fructose-bisphosphate B; minus strand). Cytogenetic location: 9q31.1.
Variant type: single nucleotide variant.
Coding change: c.112+5G>A on transcript NM_000035.4 (MANE Select); 5 bases into the intron after coding-DNA position 112, G replaced by A.
Molecular consequence: intron variant.
Genome position (GRCh38, 1-based): chr9:101,430,771, C>T on the plus strand (G>A on the coding strand, the complement: ALDOB is on the minus strand). VCF-style: chr9-101430771-C-T. GRCh37 (hg19) VCF-style: chr9-104193053-C-T.
Identifiers: ClinVar variation 3030897 (VCV003030897.2), dbSNP rs571981075, ClinGen allele CA5161743.
Genomic context (GRCh38, chr9:101,430,771, plus strand): 5'-TTGTTTTTGCTAAGTGTAGAAAAAATAATATGTTGTTATATGATGAGACTGCTTTTTACA[C>T]TCACCTACAGATTCATCTGCAGCCAGGATCCCCTTTCCATTGGCAACAATGCTCTGGGCA-3'